The following is an entry in ClinVar:

ClinVar aggregate classification (germline): Pathogenic (1 of 4 stars; one submission).

Conditions:
Distal myopathy with posterior leg and anterior hand involvement. Also called: WILLIAMS DISTAL MYOPATHY. Identifiers: Orphanet 63273, MedGen C3279722, MONDO:0013550, OMIM 614065.
Hypertrophic cardiomyopathy 26. Also called: Cardiomyopathy, familial hypertrophic, 26. Identifiers: Orphanet 75249, MedGen C4310749, MONDO:0014883, OMIM 617047.
Myofibrillar myopathy 5. Also called: Filaminopathy (type); FILAMINOPATHY, AUTOSOMAL DOMINANT. Identifiers: Orphanet 171445, MedGen C1836050, MONDO:0012289, OMIM 609524.

Submission:

Labcorp Genetics (formerly Invitae), Labcorp
Classification: Pathogenic for Distal myopathy with posterior leg and anterior hand involvement; Myofibrillar myopathy 5; Hypertrophic cardiomyopathy 26. Last evaluated: 2021-08-09. Review status: criteria provided, single submitter. Criteria: Invitae Variant Classification Sherloc (09022015). Collection method: clinical testing. Allele origin: germline.
Comment: This sequence change creates a premature translational stop signal (p.Trp2338*) in the FLNC gene. It is expected to result in an absent or disrupted protein product. Loss-of-function variants in FLNC are known to be pathogenic (PMID: 27908349). This variant is not present in population databases (ExAC no frequency). This variant has not been reported in the literature in individuals affected with FLNC-related conditions. For these reasons, this variant has been classified as Pathogenic.

Literature cited by the submitters: PubMed 27908349.

NM_001458.5(FLNC):c.7014G>A (p.Trp2338Ter)

Genes: FLNC (filamin C; plus strand), FLNC-AS1 (FLNC antisense RNA 1; minus strand). Cytogenetic location: 7q32.1.
Variant type: single nucleotide variant.
Coding change: c.7014G>A on transcript NM_001458.5 (MANE Select); coding-DNA position 7014, G replaced by A.
Protein change: p.Trp2338Ter; replaces tryptophan 2338 with a stop codon.
Molecular consequence: nonsense.
Genome position (GRCh38, 1-based): chr7:128,854,791, G>A. VCF-style: chr7-128854791-G-A. GRCh37 (hg19) VCF-style: chr7-128494845-G-A.
Other names: c.6915G>A, p.Trp2305Ter (NM_001127487.2); short protein forms W2305*, W2338*.
Identifiers: ClinVar variation 1410219 (VCV001410219.6), dbSNP rs2128939606, ClinGen allele CA369214919.
Genomic context (GRCh38, chr7:128,854,791, plus strand): 5'-TGAGGGGCGATGATGCTGAAGTCCACTACCTTGCCTGTCCCCAGCCGAGTTCAGCATCTG[G>A]ACCCGGGAGGCTGGCGCTGGGGGCCTGTCCATTGCTGTGGAGGGTCCTAGCAAAGCGGAG-3'